The following is an entry in ClinVar:

ClinVar aggregate classification (germline): Likely benign. Review status: criteria provided, multiple submitters, no conflicts (2 of 4 stars). 4 submissions from 4 submitters: Likely benign (3). 1 of the submissions does not count toward it. Last evaluated 2026-01-18.

Conditions:
COL4A3-related disorder. Also called: COL4A3-related condition; COL4A3-Related Disorders.
Autosomal dominant Alport syndrome (ATS3A). Also called: Alport syndrome dominant type; Renal failure and sensorineural hearing loss; ALPORT SYNDROME 3A, AUTOSOMAL DOMINANT. Identifiers: Orphanet 63, Orphanet 88918, MedGen C5882663, MONDO:0007086, OMIM 104200.
Autosomal recessive Alport syndrome (ATS2). Also called: COL4A4 Alport Syndrome and Thin Basement Membrane Nephropathy; ALPORT SYNDROME 2, AUTOSOMAL RECESSIVE; Alport syndrome type 2; COL4A3-Related Nephropathy. Identifiers: Orphanet 63, Orphanet 88919, MedGen C4746745, MONDO:0008762, OMIM 203780.
Benign familial hematuria. Also called: thin basement membrane disease. Identifiers: MedGen C0241908, MONDO:0957317.

Allele frequency attached by ClinVar (database versions not stated): gnomAD exomes below 0.00001 and 0.00002; ExAC 0.00001; gnomAD 0.00001; TOPMed 0.00001.
gnomAD v4.1: 16 of 1,613,958 alleles (0.00099%); highest among the groups gnomAD compares: East Asian, 0.0089%; no homozygotes.

Submissions (4):

Labcorp Genetics (formerly Invitae), Labcorp
Classification: Likely benign. Last evaluated: 2026-01-18. Review status: criteria provided, single submitter. Criteria: Invitae Variant Classification Sherloc (09022015). Collection method: clinical testing. Allele origin: germline.

Blueprint Genetics
Classification: Likely benign. Last evaluated: 2024-09-20. Review status: criteria provided, single submitter. Criteria: ACMG Guidelines, 2015. Collection method: clinical testing. Allele origin: germline.

Fulgent Genetics
Classification: Likely benign for Autosomal dominant Alport syndrome; Hematuria, benign familial, 1; Autosomal recessive Alport syndrome. Last evaluated: 2021-07-03. Review status: criteria provided, single submitter. Criteria: ACMG Guidelines, 2015. Collection method: clinical testing. Allele origin: unknown.

PreventionGenetics, part of Exact Sciences
Classification: Likely benign for COL4A3-related condition. Last evaluated: 2022-12-20. Review status: no assertion criteria provided. Collection method: clinical testing. Allele origin: germline. Not counted in ClinVar's aggregate classification.
Comment: This variant is classified as likely benign based on ACMG/AMP sequence variant interpretation guidelines (Richards et al. 2015 PMID: 25741868, with internal and published modifications).

NM_000091.5(COL4A3):c.1860C>T (p.Pro620=)

Genes: COL4A3 (collagen type IV alpha 3 chain; plus strand), MFF-DT (MFF divergent transcript; minus strand). Cytogenetic location: 2q36.3.
Variant type: single nucleotide variant.
Coding change: c.1860C>T on transcript NM_000091.5 (MANE Select); coding-DNA position 1860, C replaced by T.
Protein change: p.Pro620=; no amino-acid change (proline 620 retained).
Molecular consequence: synonymous variant.
Genome position (GRCh38, 1-based): chr2:227,273,050, C>T. VCF-style: chr2-227273050-C-T. GRCh37 (hg19) VCF-style: chr2-228137766-C-T.
Other names: c.1860C>T (NM_000091.4).
Identifiers: ClinVar variation 1120404 (VCV001120404.13), dbSNP rs376896231, ClinGen allele CA2146773.